The following is an entry in ClinVar:

NM_021620.4(PRDM13):c.917C>T (p.Ala306Val)

Gene: PRDM13 (PR/SET domain 13; plus strand). Cytogenetic location: 6q16.2.
Variant type: single nucleotide variant.
Coding change: c.917C>T on transcript NM_021620.4 (MANE Select); coding-DNA position 917, C replaced by T.
Protein change: p.Ala306Val; replaces alanine 306 with valine.
Molecular consequence: missense variant.
Genome position (GRCh38, 1-based): chr6:99,613,552, C>T. VCF-style: chr6-99613552-C-T. GRCh37 (hg19) VCF-style: chr6-100061428-C-T.
Other names: short protein forms A306V.
Identifiers: ClinVar variation 2725816 (VCV002725816.3), dbSNP rs1770069795, ClinGen allele CA365117007.

ClinVar aggregate classification (germline): Uncertain significance (1 of 4 stars; one submission).

Allele frequency attached by ClinVar (database versions not stated): TOPMed 0.00001.

Submission:

Labcorp Genetics (formerly Invitae), Labcorp
Classification: Uncertain significance. Last evaluated: 2022-11-23. Review status: criteria provided, single submitter. Criteria: Invitae Variant Classification Sherloc (09022015). Collection method: clinical testing. Allele origin: germline.
Comment: In summary, the available evidence is currently insufficient to determine the role of this variant in disease. Therefore, it has been classified as a Variant of Uncertain Significance. Algorithms developed to predict the effect of missense changes on protein structure and function output the following: SIFT: "Tolerated"; PolyPhen-2: "Benign"; Align-GVGD: "Class C0". The valine amino acid residue is found in multiple mammalian species, which suggests that this missense change does not adversely affect protein function. This variant has not been reported in the literature in individuals affected with PRDM13-related conditions. This variant is not present in population databases (gnomAD no frequency). This sequence change replaces alanine, which is neutral and non-polar, with valine, which is neutral and non-polar, at codon 306 of the PRDM13 protein (p.Ala306Val).